The following is an entry in ClinVar:

NM_001005242.3(PKP2):c.1840-10G>C

Gene: PKP2 (plakophilin 2; minus strand). Cytogenetic location: 12p11.21.
Variant type: single nucleotide variant.
Coding change: c.1840-10G>C on transcript NM_001005242.3 (MANE Select); 10 bases into the intron before coding-DNA position 1840, G replaced by C.
Molecular consequence: intron variant.
Genome position (GRCh38, 1-based): chr12:32,821,539, C>G on the plus strand (G>C on the coding strand, the complement: PKP2 is on the minus strand). VCF-style: chr12-32821539-C-G. GRCh37 (hg19) VCF-style: chr12-32974473-C-G.
Other names: c.1972-10G>C (NM_004572.4).
Identifiers: ClinVar variation 1153135 (VCV001153135.14), dbSNP rs768000598, ClinGen allele CA235238183.

ClinVar aggregate classification (germline): Likely benign. Review status: criteria provided, multiple submitters, no conflicts (2 of 4 stars). 3 submissions from 3 submitters: Likely benign (3). Last evaluated 2025-10-22.

Conditions:
Arrhythmogenic right ventricular cardiomyopathy (ARVD). Also called: Cardiomyopathy, ARVC; Arrhythmogenic right ventricular dysplasia; Arrhythmogenic cardiomyopathy; Arrhythmogenic Right Ventricular Cardiomyopathy (ARVC). Identifiers: Orphanet 247, MedGen C0349788, MeSH D019571, MONDO:0016587. Disease mechanism: loss of function. Inheritance: Various modes of inheritance.
Cardiomyopathy (CMYO). Also called: Cardiomyopathies. Identifiers: Orphanet 167848, MedGen C0878544, MONDO:0004994, HP:0001638. Inheritance: Various modes of inheritance.
Arrhythmogenic right ventricular dysplasia 9 (ARVD9). Also called: Arrhythmogenic Right Ventricular Dysplasia/Cardiomyopathy 9; ARRHYTHMOGENIC RIGHT VENTRICULAR DYSPLASIA, FAMILIAL, 9. Identifiers: MedGen C1836906, MONDO:0012180, OMIM 609040.

Allele frequency attached by ClinVar (database versions not stated): gnomAD 0.00001; gnomAD exomes 0.00001.
gnomAD v4.1: 43 of 1,613,776 alleles (0.0027%); highest among the groups gnomAD compares: Non-Finnish European, 0.0036%; no homozygotes.

Submissions (3):

Labcorp Genetics (formerly Invitae), Labcorp
Classification: Likely benign for Arrhythmogenic right ventricular dysplasia 9. Last evaluated: 2025-10-22. Review status: criteria provided, single submitter. Criteria: Invitae Variant Classification Sherloc (09022015). Collection method: clinical testing. Allele origin: germline.

All of Us Research Program, National Institutes of Health
Classification: Likely benign for Arrhythmogenic right ventricular cardiomyopathy. Last evaluated: 2024-09-23. Review status: criteria provided, single submitter. Criteria: ACMG Guidelines, 2015. Collection method: clinical testing. Allele origin: germline. Inheritance: Autosomal dominant inheritance. Observed: 7 variant alleles, 7 heterozygotes.
Comment: This study involves interpretation of variants in research participants for the purpose of population health screening. Participant phenotype was not available at the time of variant classification. Additional details can be found in publication PMID: 35346344, PMCID: PMC8962531

Color Diagnostics, LLC DBA Color Health
Classification: Likely benign for Cardiomyopathy. Last evaluated: 2024-05-06. Review status: criteria provided, single submitter. Criteria: ACMG Guidelines, 2015. Collection method: clinical testing. Allele origin: germline.